The following is an entry in ClinVar:

ClinVar aggregate classification (germline): Conflicting classifications of pathogenicity. Review status: criteria provided, conflicting classifications (1 of 4 stars). 7 submissions from 7 submitters: Uncertain significance (1); Likely benign (4). 2 of the submissions do not count toward it. Last evaluated 2026-01-26.

Conditions:
Retinal cone dystrophy 4 (RCD4). Identifiers: Orphanet 1872, MedGen C1864849, MONDO:0012507, OMIM 610478.
CACNA2D4-related disorder. Also called: CACNA2D4-related condition.

Allele frequency attached by ClinVar (database versions not stated): ExAC 0.00180; ESP Exome Variant Server 0.00191; 1000 Genomes Project 30x 0.00203; gnomAD 0.00210; TOPMed 0.00215; gnomAD exomes 0.00220; 1000 Genomes Project 0.00240.
gnomAD v4.1: 4,179 of 1,613,570 alleles (0.26%); highest among the groups gnomAD compares: Middle Eastern, 0.38%; 18 homozygotes.

Submissions (7):

Labcorp Genetics (formerly Invitae), Labcorp
Classification: Likely benign. Last evaluated: 2026-01-26. Review status: criteria provided, single submitter. Criteria: Invitae Variant Classification Sherloc (09022015). Collection method: clinical testing. Allele origin: germline.

Blueprint Genetics
Classification: Likely benign. Last evaluated: 2024-11-21. Review status: criteria provided, single submitter. Criteria: ACMG Guidelines, 2015. Collection method: clinical testing. Allele origin: germline.

CeGaT Center for Human Genetics Tuebingen
Classification: Likely benign. Last evaluated: 2024-08-01. Review status: criteria provided, single submitter. Criteria: CeGaT Center For Human Genetics Tuebingen Variant Classification Criteria Version 2. Collection method: clinical testing. Allele origin: germline. Affected: yes. Observed: 1 variant allele.
Comment: CACNA2D4: BP4, BS2

Illumina Laboratory Services, Illumina
Classification: Uncertain significance for Retinal cone dystrophy 4. Last evaluated: 2018-01-13. Review status: criteria provided, single submitter. Criteria: ICSL Variant Classification Criteria 13 December 2019. Collection method: clinical testing. Allele origin: germline.

Clinical Genetics DNA and cytogenetics Diagnostics Lab, Erasmus MC, Erasmus Medical Center
Classification: Likely benign for Retinal cone dystrophy 4. Last evaluated: 2016-08-31. Review status: criteria provided, single submitter. Criteria: ACGS Guidelines, 2013. Collection method: clinical testing. Allele origin: germline. Affected: yes. Study: VKGL Data-share Consensus.

PreventionGenetics, part of Exact Sciences
Classification: Likely benign for CACNA2D4-related condition. Last evaluated: 2020-12-16. Review status: no assertion criteria provided. Collection method: clinical testing. Allele origin: germline. Not counted in ClinVar's aggregate classification.
Comment: This variant is classified as likely benign based on ACMG/AMP sequence variant interpretation guidelines (Richards et al. 2015 PMID: 25741868, with internal and published modifications).

Clinical Genetics, Academic Medical Center
Classification: Likely benign. Review status: no assertion criteria provided. Collection method: clinical testing. Allele origin: germline. Affected: yes. Study: VKGL Data-share Consensus. Not counted in ClinVar's aggregate classification.

NM_172364.5(CACNA2D4):c.3356C>T (p.Pro1119Leu)

Gene: CACNA2D4 (calcium voltage-gated channel auxiliary subunit alpha2delta 4; minus strand). Cytogenetic location: 12p13.33.
Variant type: single nucleotide variant.
Coding change: c.3356C>T on transcript NM_172364.5 (MANE Select); coding-DNA position 3356, C replaced by T.
Protein change: p.Pro1119Leu; replaces proline 1119 with leucine.
Molecular consequence: missense variant.
Genome position (GRCh38, 1-based): chr12:1,793,713, G>A on the plus strand (C>T on the coding strand, the complement: CACNA2D4 is on the minus strand). VCF-style: chr12-1793713-G-A. GRCh37 (hg19) VCF-style: chr12-1902879-G-A.
Other names: short protein forms P1119L.
Identifiers: ClinVar variation 307830 (VCV000307830.37), dbSNP rs145150489, ClinGen allele CA6385934.
Genomic context (GRCh38, chr12:1,793,713, plus strand): 5'-TGTCACCGCAGGAGTTGGGGCAGTAGCCCCCAGGCACACACAGGCAGCAGGAGTAGGGGC[G>A]GCGAGGCTGAGGTGTCCGAGGCGCCGCCGCAGTCCTGGGCATTCTCCTGCGAACGCAGAG-3'
Protein context (NP_758952.4, residues 1109-1129): CGGASDTSAS[Pro1119Leu]PLLLLPVCAW